The following is an entry in ClinVar:

ClinVar aggregate classification (germline): Pathogenic (1 of 4 stars; one submission).

Submission:

GeneDx
Classification: Pathogenic. Last evaluated: 2024-04-30. Review status: criteria provided, single submitter. Criteria: GeneDx Variant Classification Process June 2021. Collection method: clinical testing. Allele origin: germline. Affected: yes.
Comment: Not observed at significant frequency in large population cohorts (gnomAD); In silico analysis supports that this missense variant has a deleterious effect on protein structure/function; This variant is associated with the following publications: (PMID: 35772801)

NM_002107.7(H3-3A):c.335C>T (p.Ala112Val)

Gene: H3-3A (H3.3 histone A; plus strand). Cytogenetic location: 1q42.12.
Variant type: single nucleotide variant.
Coding change: c.335C>T on transcript NM_002107.7 (MANE Select); coding-DNA position 335, C replaced by T.
Protein change: p.Ala112Val; replaces alanine 112 with valine.
Molecular consequence: missense variant.
Genome position (GRCh38, 1-based): chr1:226,071,403, C>T. VCF-style: chr1-226071403-C-T. GRCh37 (hg19) VCF-style: chr1-226259104-C-T.
Other names: c.335C>T, p.Ala112Val (NM_001379043.1, NM_001379045.1, NM_001379046.1 and 1 more transcripts); short protein forms A112V.
Identifiers: ClinVar variation 1306413 (VCV001306413.3), dbSNP rs2102742543, ClinGen allele CA345020854.